The following is an entry in ClinVar:

ClinVar aggregate classification (germline): Uncertain significance (1 of 4 stars; one submission).

Allele frequency attached by ClinVar (database versions not stated): 1000 Genomes Project 30x 0.00016.
gnomAD v4.1: 10 of 1,520,068 alleles (0.00066%); highest among the groups gnomAD compares: South Asian, 0.0097%; no homozygotes.

Submission:

Labcorp Genetics (formerly Invitae), Labcorp
Classification: Uncertain significance. Last evaluated: 2022-10-27. Review status: criteria provided, single submitter. Criteria: Invitae Variant Classification Sherloc (09022015). Collection method: clinical testing. Allele origin: germline.
Comment: This sequence change replaces alanine, which is neutral and non-polar, with glutamic acid, which is acidic and polar, at codon 222 of the NEFH protein (p.Ala222Glu). This variant is not present in population databases (gnomAD no frequency). This variant has not been reported in the literature in individuals affected with NEFH-related conditions. Advanced modeling of protein sequence and biophysical properties (such as structural, functional, and spatial information, amino acid conservation, physicochemical variation, residue mobility, and thermodynamic stability) performed at Invitae indicates that this missense variant is not expected to disrupt NEFH protein function. In summary, the available evidence is currently insufficient to determine the role of this variant in disease. Therefore, it has been classified as a Variant of Uncertain Significance.

NM_021076.4(NEFH):c.665C>A (p.Ala222Glu)

Gene: NEFH (neurofilament heavy chain; plus strand). Cytogenetic location: 22q12.2.
Variant type: single nucleotide variant.
Coding change: c.665C>A on transcript NM_021076.4 (MANE Select); coding-DNA position 665, C replaced by A.
Protein change: p.Ala222Glu; replaces alanine 222 with glutamic acid.
Molecular consequence: missense variant.
Genome position (GRCh38, 1-based): chr22:29,480,927, C>A. VCF-style: chr22-29480927-C-A. GRCh37 (hg19) VCF-style: chr22-29876916-C-A.
Other names: short protein forms A222E.
Identifiers: ClinVar variation 2786435 (VCV002786435.3), dbSNP rs1048827690, ClinGen allele CA411123578.
Genomic context (GRCh38, chr22:29,480,927, plus strand): 5'-TGGCGCGCTTCGCGCAGGAGGCCGAGGCGGCGCGCGTGGACCTGCAGAAGAAGGCGCAGG[C>A]GCTGCAGGAGGAGTGCGGCTACCTGCGGCGCCACCACCAGGAAGAGGTGGGCGAGCTGCT-3'
Protein context (NP_066554.2, residues 212-232): ARVDLQKKAQ[Ala222Glu]LQEECGYLRR